The following is an entry in ClinVar:

ClinVar aggregate classification (germline): Uncertain significance. Review status: criteria provided, single submitter (1 of 4 stars). 2 submissions from 2 submitters: Uncertain significance (1). 1 of the submissions does not count toward it. Last evaluated 2022-06-03.

Conditions:
Primary ciliary dyskinesia. Also called: Ciliary dyskinesia. Identifiers: Orphanet 244, MedGen C0008780, MONDO:0016575, HP:0012265.

Allele frequency attached by ClinVar (database versions not stated): gnomAD exomes below 0.00001; ExAC 0.00001; TOPMed 0.00001.
gnomAD v4.1: 5 of 1,613,976 alleles (0.00031%); highest among the groups gnomAD compares: Middle Eastern, 0.016%; no homozygotes.

Submissions (2):

Labcorp Genetics (formerly Invitae), Labcorp
Classification: Uncertain significance for Primary ciliary dyskinesia. Last evaluated: 2022-06-03. Review status: criteria provided, single submitter. Criteria: Invitae Variant Classification Sherloc (09022015). Collection method: clinical testing. Allele origin: germline.
Comment: This sequence change falls in intron 32 of the DNAH5 gene. It does not directly change the encoded amino acid sequence of the DNAH5 protein. It affects a nucleotide within the consensus splice site. This variant is present in population databases (rs749394641, gnomAD 0.0009%). This variant has not been reported in the literature in individuals affected with DNAH5-related conditions. ClinVar contains an entry for this variant (Variation ID: 942499). Variants that disrupt the consensus splice site are a relatively common cause of aberrant splicing (PMID: 17576681, 9536098). Algorithms developed to predict the effect of sequence changes on RNA splicing suggest that this variant may disrupt the consensus splice site. In summary, the available evidence is currently insufficient to determine the role of this variant in disease. Therefore, it has been classified as a Variant of Uncertain Significance.

Natera, Inc.
Classification: Uncertain significance for Primary ciliary dyskinesia. Last evaluated: 2020-09-01. Review status: no assertion criteria provided. Collection method: clinical testing. Allele origin: germline. Not counted in ClinVar's aggregate classification.

Literature cited by the submitters: PubMed 17576681 (cited by Labcorp Genetics (formerly Invitae), Labcorp); PubMed 9536098 (cited by Labcorp Genetics (formerly Invitae), Labcorp).

NM_001369.3(DNAH5):c.5271+5G>A

Gene: DNAH5 (dynein axonemal heavy chain 5; minus strand). Cytogenetic location: 5p15.2.
Variant type: single nucleotide variant.
Coding change: c.5271+5G>A on transcript NM_001369.3 (MANE Select); 5 bases into the intron after coding-DNA position 5271, G replaced by A.
Molecular consequence: intron variant.
Genome position (GRCh38, 1-based): chr5:13,844,832, C>T on the plus strand (G>A on the coding strand, the complement: DNAH5 is on the minus strand). VCF-style: chr5-13844832-C-T. GRCh37 (hg19) VCF-style: chr5-13844941-C-T.
Identifiers: ClinVar variation 942499 (VCV000942499.7), dbSNP rs749394641, ClinGen allele CA3203746.